The following is an entry in ClinVar:

ClinVar aggregate classification (germline): Uncertain significance. Review status: criteria provided, multiple submitters, no conflicts (2 of 4 stars). 3 submissions from 3 submitters: Uncertain significance (3). Last evaluated 2023-04-11.

Conditions:
Catecholaminergic polymorphic ventricular tachycardia 2. Also called: CASQ2-Related Catecholaminergic Polymorphic Ventricular Tachycardia; VENTRICULAR TACHYCARDIA, STRESS-INDUCED POLYMORPHIC 2. Identifiers: Orphanet 3286, MedGen C2677794, MONDO:0012762, OMIM 611938.
Catecholaminergic polymorphic ventricular tachycardia 1. Also called: RYR2-Related Catecholaminergic Polymorphic Ventricular Tachycardia; VENTRICULAR TACHYCARDIA, CATECHOLAMINERGIC POLYMORPHIC, 1, WITH OR WITHOUT ATRIAL DYSFUNCTION AND/OR DILATED CARDIOMYOPATHY; VENTRICULAR TACHYCARDIA, STRESS-INDUCED POLYMORPHIC 1. Identifiers: Orphanet 3286, MedGen C1631597, MONDO:0011484, OMIM 604772.

Allele frequency attached by ClinVar (database versions not stated): gnomAD 0.00001 and 0.00002; TOPMed 0.00001; gnomAD exomes 0.00002 and 0.00003; ExAC 0.00005; 1000 Genomes Project 30x 0.00016; 1000 Genomes Project 0.00020.
gnomAD v4.1: 26 of 1,613,912 alleles (0.0016%); highest among the groups gnomAD compares: East Asian, 0.0045%; no homozygotes.

Submissions (3):

Genome-Nilou Lab
Classification: Uncertain significance for Catecholaminergic polymorphic ventricular tachycardia 2. Last evaluated: 2023-04-11. Review status: criteria provided, single submitter. Criteria: ACMG Guidelines, 2015. Collection method: clinical testing. Allele origin: germline. Affected: no.

Labcorp Genetics (formerly Invitae), Labcorp
Classification: Uncertain significance for Catecholaminergic polymorphic ventricular tachycardia 1. Last evaluated: 2022-07-22. Review status: criteria provided, single submitter. Criteria: Invitae Variant Classification Sherloc (09022015). Collection method: clinical testing. Allele origin: germline.
Comment: This sequence change replaces arginine, which is basic and polar, with tryptophan, which is neutral and slightly polar, at codon 293 of the CASQ2 protein (p.Arg293Trp). This variant is present in population databases (rs201306936, gnomAD 0.01%). This variant has not been reported in the literature in individuals affected with CASQ2-related conditions. ClinVar contains an entry for this variant (Variation ID: 939550). Algorithms developed to predict the effect of missense changes on protein structure and function are either unavailable or do not agree on the potential impact of this missense change (SIFT: "Deleterious"; PolyPhen-2: "Probably Damaging"; Align-GVGD: "Class C0"). In summary, the available evidence is currently insufficient to determine the role of this variant in disease. Therefore, it has been classified as a Variant of Uncertain Significance.

Fulgent Genetics
Classification: Uncertain significance for Catecholaminergic polymorphic ventricular tachycardia 1; Catecholaminergic polymorphic ventricular tachycardia 2. Last evaluated: 2021-08-18. Review status: criteria provided, single submitter. Criteria: ACMG Guidelines, 2015. Collection method: clinical testing. Allele origin: unknown.

NM_001232.4(CASQ2):c.877C>T (p.Arg293Trp)

Gene: CASQ2 (calsequestrin 2; minus strand). Cytogenetic location: 1p13.1.
Variant type: single nucleotide variant.
Coding change: c.877C>T on transcript NM_001232.4 (MANE Select); coding-DNA position 877, C replaced by T.
Protein change: p.Arg293Trp; replaces arginine 293 with tryptophan.
Molecular consequence: missense variant.
Genome position (GRCh38, 1-based): chr1:115,705,254, G>A on the plus strand (C>T on the coding strand, the complement: CASQ2 is on the minus strand). VCF-style: chr1-115705254-G-A. GRCh37 (hg19) VCF-style: chr1-116247875-G-A.
Other names: short protein forms R293W.
Identifiers: ClinVar variation 939550 (VCV000939550.7), dbSNP rs201306936, ClinGen allele CA1023706.
Genomic context (GRCh38, chr1:115,705,254, plus strand): 5'-GAGGAAAGTCGTCCGGGTCGATCCACAGGATGCTCAGATCGGGGTTGTCAGTATTGTCCC[G>A]GGCAACCTGTTTCAGGATCTCCAGGAATTCGTAGCCATCTGAAACAGGATTCAAGAGAGT-3'
Protein context (NP_001223.2, residues 283-303): EFLEILKQVA[Arg293Trp]DNTDNPDLSI